The following is an entry in ClinVar:

NM_001283009.2(RTEL1):c.3811C>T (p.Arg1271Trp)

Genes: RTEL1 (regulator of telomere elongation helicase 1; plus strand), RTEL1-TNFRSF6B (RTEL1-TNFRSF6B readthrough (NMD candidate); plus strand). Cytogenetic location: 20q13.33.
Variant type: single nucleotide variant.
Coding change: c.3811C>T on transcript NM_001283009.2 (MANE Select); coding-DNA position 3811, C replaced by T.
Protein change: p.Arg1271Trp; replaces arginine 1271 with tryptophan.
Molecular consequence: missense variant. On other transcripts: non-coding transcript variant (1), intron variant (3).
Genome position (GRCh38, 1-based): chr20:63,695,639, C>T. VCF-style: chr20-63695639-C-T. GRCh37 (hg19) VCF-style: chr20-62326992-C-T.
Other names: c.2984-139C>T (NM_001283010.1); c.3725-139C>T (NM_032957.5); c.3653-139C>T (NM_016434.4); short protein forms R1271W.
Identifiers: ClinVar variation 1442654 (VCV001442654.9), dbSNP rs993254667, ClinGen allele CA317530460.

ClinVar aggregate classification (germline): Uncertain significance. Review status: criteria provided, multiple submitters, no conflicts (2 of 4 stars). 2 submissions from 2 submitters: Uncertain significance (2). Last evaluated 2025-11-22.

Conditions:
Pulmonary fibrosis and/or bone marrow failure, Telomere-related, 3. Also called: PULMONARY FIBROSIS AND/OR BONE MARROW FAILURE SYNDROME, TELOMERE-RELATED, 3. Identifiers: Orphanet 2032, MedGen C4225346, MONDO:0014613, OMIM 616373.
Dyskeratosis congenita, autosomal recessive 5 (DKCB5). Identifiers: MedGen C3554656, MONDO:0014076, OMIM 615190.

Allele frequency attached by ClinVar (database versions not stated): gnomAD 0.00001 and 0.00002; gnomAD exomes 0.00002; TOPMed 0.00003.
gnomAD v4.1: 33 of 1,611,182 alleles (0.002%); highest among the groups gnomAD compares: South Asian, 0.0088%; no homozygotes.

Submissions (2):

Labcorp Genetics (formerly Invitae), Labcorp
Classification: Uncertain significance for Dyskeratosis congenita, autosomal recessive 5; Pulmonary fibrosis and/or bone marrow failure, Telomere-related, 3. Last evaluated: 2025-11-22. Review status: criteria provided, single submitter. Criteria: Invitae Variant Classification Sherloc (09022015). Collection method: clinical testing. Allele origin: germline.
Comment: This sequence change replaces arginine, which is basic and polar, with tryptophan, which is neutral and slightly polar, at codon 1271 of the RTEL1 protein (p.Arg1271Trp). This variant is present in population databases (no rsID available, gnomAD 0.003%). This missense change has been observed in individual(s) with pulmonary fibrosis (PMID: 36769106). ClinVar contains an entry for this variant (Variation ID: 1442654). An algorithm developed to predict the effect of missense changes on protein structure and function (PolyPhen-2) suggests that this variant is likely to be tolerated. In summary, the available evidence is currently insufficient to determine the role of this variant in disease. Therefore, it has been classified as a Variant of Uncertain Significance.

Blueprint Genetics
Classification: Uncertain significance. Last evaluated: 2021-11-12. Review status: criteria provided, single submitter. Criteria: ACMG Guidelines, 2015. Collection method: clinical testing. Allele origin: germline.

Literature cited by the submitters: PubMed 36769106 (cited by Labcorp Genetics (formerly Invitae), Labcorp).